The following is an entry in ClinVar:

ClinVar aggregate classification (germline): Conflicting classifications of pathogenicity. Review status: criteria provided, conflicting classifications (1 of 4 stars). 4 submissions from 4 submitters: Uncertain significance (3); Likely benign (1). Last evaluated 2025-04-28.

Conditions:
Hereditary cancer-predisposing syndrome. Also called: Neoplastic Syndromes, Hereditary; Tumor predisposition; Hereditary neoplastic syndrome; Hereditary Cancer Syndrome. Identifiers: Orphanet 140162, MedGen C0027672, MeSH D009386, MONDO:0015356.
Peutz-Jeghers syndrome (PJS). Also called: POLYPOSIS, HAMARTOMATOUS INTESTINAL; POLYPS-AND-SPOTS SYNDROME; Peutz-Jeghers polyposis; Periorificial lentiginosis syndrome. Identifiers: Orphanet 2869, MedGen C0031269, MeSH D010580, MONDO:0008280, OMIM 175200.

Submissions (4):

Ambry Genetics
Classification: Likely benign for Hereditary cancer-predisposing syndrome. Last evaluated: 2025-04-28. Review status: criteria provided, single submitter. Criteria: Ambry Variant Classification Scheme 2023. Collection method: clinical testing. Allele origin: germline.

Color Diagnostics, LLC DBA Color Health
Classification: Uncertain significance for Hereditary cancer-predisposing syndrome. Last evaluated: 2023-12-05. Review status: criteria provided, single submitter. Criteria: ACMG Guidelines, 2015. Collection method: clinical testing. Allele origin: germline.
Comment: This missense variant replaces alanine with glycine at codon 417 of the STK11 protein. Computational prediction suggests that this variant may not impact protein structure and function (internally defined REVEL score threshold <= 0.5, PMID: 27666373). To our knowledge, functional studies have not been reported for this variant. This variant has not been reported in individuals affected with STK11-related disorders in the literature. This variant has not been identified in the general population by the Genome Aggregation Database (gnomAD). The available evidence is insufficient to determine the role of this variant in disease conclusively. Therefore, this variant is classified as a Variant of Uncertain Significance.

Genome-Nilou Lab
Classification: Uncertain significance for Peutz-Jeghers syndrome. Last evaluated: 2021-07-15. Review status: criteria provided, single submitter. Criteria: ACMG Guidelines, 2015. Collection method: clinical testing. Allele origin: germline. Affected: no.

Labcorp Genetics (formerly Invitae), Labcorp
Classification: Uncertain significance for Peutz-Jeghers syndrome. Last evaluated: 2020-11-10. Review status: criteria provided, single submitter. Criteria: Invitae Variant Classification Sherloc (09022015). Collection method: clinical testing. Allele origin: germline.
Comment: This sequence change replaces alanine with glycine at codon 417 of the STK11 protein (p.Ala417Gly). The alanine residue is weakly conserved and there is a small physicochemical difference between alanine and glycine. While this variant is not present in population databases, the frequency information is unreliable, as metrics indicate poor data quality at this position in the ExAC database. This variant has not been reported in the literature in individuals with STK11-related disease. Algorithms developed to predict the effect of missense changes on protein structure and function (SIFT, PolyPhen-2, Align-GVGD) all suggest that this variant is likely to be tolerated, but these predictions have not been confirmed by published functional studies and their clinical significance is uncertain. In summary, the available evidence is currently insufficient to determine the role of this variant in disease. Therefore, it has been classified as a Variant of Uncertain Significance.

NM_000455.5(STK11):c.1250C>G (p.Ala417Gly)

Gene: STK11 (serine/threonine kinase 11; plus strand). Cytogenetic location: 19p13.3.
Variant type: single nucleotide variant.
Coding change: c.1250C>G on transcript NM_000455.5 (MANE Select); coding-DNA position 1250, C replaced by G.
Protein change: p.Ala417Gly; replaces alanine 417 with glycine.
Molecular consequence: missense variant.
Genome position (GRCh38, 1-based): chr19:1,226,595, C>G. VCF-style: chr19-1226595-C-G. GRCh37 (hg19) VCF-style: chr19-1226594-C-G.
Other names: short protein forms A417G.
Identifiers: ClinVar variation 527827 (VCV000527827.19), dbSNP rs1166243253, ClinGen allele CA402954018.